The following is an entry in ClinVar:

ClinVar aggregate classification (germline): Conflicting classifications of pathogenicity. Review status: criteria provided, conflicting classifications (1 of 4 stars). 5 submissions from 4 submitters: Uncertain significance (2); Likely benign (3). Last evaluated 2026-01-21.

Conditions:
Sengers syndrome. Also called: MITOCHONDRIAL DNA DEPLETION SYNDROME 10 (CARDIOMYOPATHIC TYPE); Cardiomyopathy and cataract. Identifiers: Orphanet 1369, MedGen C1859317, MONDO:0008922, OMIM 212350.
Cataract 38. Also called: Cataract, autosomal recessive congenital 5; Cataract 38, autosomal recessive. Identifiers: Orphanet 91492, MedGen C3553494, MONDO:0013859, OMIM 614691.

Allele frequency attached by ClinVar (database versions not stated): ExAC 0.00021; gnomAD exomes 0.00024 and 0.00075; TOPMed 0.00031; gnomAD 0.00036 and 0.00038; ESP Exome Variant Server 0.00069.
gnomAD v4.1: 1,175 of 1,613,188 alleles (0.073%); highest among the groups gnomAD compares: Non-Finnish European, 0.093%; 2 homozygotes.

Submissions (5):

Labcorp Genetics (formerly Invitae), Labcorp
Classification: Likely benign for Sengers syndrome; Cataract 38. Last evaluated: 2026-01-21. Review status: criteria provided, single submitter. Criteria: Invitae Variant Classification Sherloc (09022015). Collection method: clinical testing. Allele origin: germline.

Blueprint Genetics
Classification: Likely benign. Last evaluated: 2024-10-11. Review status: criteria provided, single submitter. Criteria: ACMG Guidelines, 2015. Collection method: clinical testing. Allele origin: germline.

Illumina Laboratory Services, Illumina
Classification: Uncertain significance for Cataract 38. Last evaluated: 2018-01-13. Review status: criteria provided, single submitter. Criteria: ICSL Variant Classification Criteria 13 December 2019. Collection method: clinical testing. Allele origin: germline.

Illumina Laboratory Services, Illumina
Classification: Uncertain significance for Sengers syndrome. Last evaluated: 2018-01-13. Review status: criteria provided, single submitter. Criteria: ICSL Variant Classification Criteria 13 December 2019. Collection method: clinical testing. Allele origin: germline.

GeneDx
Classification: Likely benign. Last evaluated: 2016-03-08. Review status: criteria provided, single submitter. Criteria: GeneDx Variant Classification (06012015). Collection method: clinical testing. Allele origin: germline. Affected: yes.
Comment: This variant is considered likely benign or benign based on one or more of the following criteria: it is a conservative change, it occurs at a poorly conserved position in the protein, it is predicted to be benign by multiple in silico algorithms, and/or has population frequency not consistent with disease.

NM_018238.4(AGK):c.1131+11A>G

Gene: AGK (acylglycerol kinase; plus strand). Cytogenetic location: 7q34.
Variant type: single nucleotide variant.
Coding change: c.1131+11A>G on transcript NM_018238.4 (MANE Select); 11 bases into the intron after coding-DNA position 1131, A replaced by G.
Molecular consequence: intron variant.
Genome position (GRCh38, 1-based): chr7:141,651,620, A>G. VCF-style: chr7-141651620-A-G. GRCh37 (hg19) VCF-style: chr7-141351420-A-G.
Other names: c.1131+11A>G (LRG_1251t1).
Identifiers: ClinVar variation 377453 (VCV000377453.11), dbSNP rs202069684, ClinGen allele CA4517680.